The following is an entry in ClinVar:

ClinVar aggregate classification (germline): Uncertain significance (1 of 4 stars; one submission).

gnomAD v4.1: 1 of 1,613,724 alleles (0.000062%); highest among the groups gnomAD compares: Non-Finnish European, 0.000085%; no homozygotes.

Submission:

GeneDx
Classification: Uncertain significance. Last evaluated: 2025-01-07. Review status: criteria provided, single submitter. Criteria: GeneDx Variant Classification Process June 2021. Collection method: clinical testing. Allele origin: germline. Affected: yes.
Comment: Not observed at significant frequency in large population cohorts (gnomAD); In silico analysis indicates that this missense variant does not alter protein structure/function; Has not been previously published as pathogenic or benign to our knowledge

NM_020987.5(ANK3):c.9T>A (p.His3Gln)

Gene: ANK3 (ankyrin 3; minus strand). Cytogenetic location: 10q21.2.
Variant type: single nucleotide variant.
Coding change: c.9T>A on transcript NM_020987.5 (MANE Select); coding-DNA position 9, T replaced by A.
Protein change: p.His3Gln; replaces histidine 3 with glutamine.
Molecular consequence: missense variant. On other transcripts: intron variant (2).
Genome position (GRCh38, 1-based): chr10:60,389,530, A>T on the plus strand (T>A on the coding strand, the complement: ANK3 is on the minus strand). VCF-style: chr10-60389530-A-T. GRCh37 (hg19) VCF-style: chr10-62149288-A-T.
Other names: c.9T>A, p.His3Gln (NM_001320874.2); c.97-109891T>A (NM_001204403.2); c.64-109891T>A (NM_001204404.2); short protein forms H3Q.
Identifiers: ClinVar variation 4056028 (VCV004056028.1).
Genomic context (GRCh38, chr10:60,389,530, plus strand): 5'-CTCAGGCTCTTCTTCAGCATTGATTTCTAAATCCCTGTTTTTCTTTAATTGTGAGGCTGC[A>T]TGAGCCATAATGCATTTAAAAAGATCCTCTCAAGCACACACGGCTTCCTTGTAAAAGGTG-3'
Protein context (NP_066267.2, residues 1-13): MA[His3Gln]AASQLKKNRD